The following is an entry in ClinVar:

ClinVar aggregate classification (germline): Uncertain significance (1 of 4 stars; one submission).

Conditions:
Hereditary cancer-predisposing syndrome. Also called: Tumor predisposition; Hereditary Cancer Syndrome; Neoplastic Syndromes, Hereditary; Hereditary neoplastic syndrome. Identifiers: Orphanet 140162, MedGen C0027672, MeSH D009386, MONDO:0015356.

Submission:

Ambry Genetics
Classification: Uncertain significance for Hereditary cancer-predisposing syndrome. Last evaluated: 2021-08-18. Review status: criteria provided, single submitter. Criteria: Ambry Variant Classification Scheme 2023. Collection method: clinical testing. Allele origin: germline.
Comment: The p.V859L variant (also known as c.2575G>C), located in coding exon 18 of the PDGFRA gene, results from a G to C substitution at nucleotide position 2575. The valine at codon 859 is replaced by leucine, an amino acid with highly similar properties. This amino acid position is conserved. In addition, this alteration is predicted to be deleterious by in silico analysis. Since supporting evidence is limited at this time, the clinical significance of this alteration remains unclear.

NM_006206.6(PDGFRA):c.2575G>C (p.Val859Leu)

Gene: PDGFRA (platelet derived growth factor receptor alpha; plus strand). Cytogenetic location: 4q12.
Variant type: single nucleotide variant.
Coding change: c.2575G>C on transcript NM_006206.6 (MANE Select); coding-DNA position 2575, G replaced by C.
Protein change: p.Val859Leu; replaces valine 859 with leucine.
Molecular consequence: missense variant.
Genome position (GRCh38, 1-based): chr4:54,287,442, G>C. VCF-style: chr4-54287442-G-C. GRCh37 (hg19) VCF-style: chr4-55153609-G-C.
Other names: c.2650G>C, p.Val884Leu (NM_001347828.2); c.2575G>C, p.Val859Leu (NM_001347829.2); c.2614G>C, p.Val872Leu (NM_001347830.2); short protein forms V859L, V872L, V884L.
Identifiers: ClinVar variation 1793302 (VCV001793302.2), dbSNP rs1060501520, ClinGen allele CA356895150.